The following is an entry in ClinVar:

NM_001008537.3(NEXMIF):c.864AGA[1] (p.Glu289del)

Gene: NEXMIF (neurite extension and migration factor; minus strand). Cytogenetic location: Xq13.3.
Variant type: Microsatellite.
Coding change: c.864AGA[1] on transcript NM_001008537.3 (MANE Select); one copy of the 3-base unit AGA starting at c.864; the reference has two copies in a row; one copy, 3 bases deleted.
Protein change: p.Glu289del; deletes glutamic acid 289.
Molecular consequence: inframe deletion.
Genome position (GRCh38, 1-based): chrX:74,743,688-74,743,690, TCT deleted on the plus strand (AGA on the coding strand, the reverse complement: NEXMIF is on the minus strand); deleting any 3 consecutive bases within chrX:74,743,688-74,743,695 gives the same sequence; the position shown is the placement nearest the transcript's 3' end. VCF-style (leftmost placement, unchanged base first): chrX-74743687-ATCT-A. GRCh37 (hg19) VCF-style: chrX-73963522-ATCT-A.
Other names: short protein forms E289del.
Identifiers: ClinVar variation 2504295 (VCV002504295.5), dbSNP rs2080115947, ClinGen allele CA1134271965.

ClinVar aggregate classification (germline): Conflicting classifications of pathogenicity. Review status: criteria provided, conflicting classifications (1 of 4 stars). 2 submissions from 2 submitters: Likely pathogenic (1); Uncertain significance (1). Last evaluated 2025-09-23.

Submissions (2):

Labcorp Genetics (formerly Invitae), Labcorp
Classification: Uncertain significance. Last evaluated: 2025-09-23. Review status: criteria provided, single submitter. Criteria: Invitae Variant Classification Sherloc (09022015). Collection method: clinical testing. Allele origin: germline.
Comment: This variant, c.867_869del, results in the deletion of 1 amino acid(s) of the NEXMIF protein (p.Glu289del), but otherwise preserves the integrity of the reading frame. This variant is not present in population databases (gnomAD no frequency). This variant has not been reported in the literature in individuals affected with NEXMIF-related conditions. Experimental studies and prediction algorithms are not available or were not evaluated, and the functional significance of this variant is currently unknown. In summary, the available evidence is currently insufficient to determine the role of this variant in disease. Therefore, it has been classified as a Variant of Uncertain Significance.

GeneDx
Classification: Likely pathogenic. Last evaluated: 2025-04-01. Review status: criteria provided, single submitter. Criteria: GeneDx Variant Classification Process June 2021. Collection method: clinical testing. Allele origin: germline. Affected: yes.
Comment: In-frame deletion of 1 amino acid in a non-repeat region; Not observed at significant frequency in large population cohorts (gnomAD); In silico analysis supports a deleterious effect on protein structure/function; Has not been previously published as pathogenic or benign to our knowledge